The following is an entry in ClinVar:

NM_001374385.1(ATP8B1):c.1559A>G (p.Lys520Arg)

Gene: ATP8B1 (ATPase phospholipid transporting 8B1; minus strand). Cytogenetic location: 18q21.31.
Variant type: single nucleotide variant.
Coding change: c.1559A>G on transcript NM_001374385.1 (MANE Select); coding-DNA position 1559, A replaced by G.
Protein change: p.Lys520Arg; replaces lysine 520 with arginine.
Molecular consequence: missense variant.
Genome position (GRCh38, 1-based): chr18:57,684,107, T>C on the plus strand (A>G on the coding strand, the complement: ATP8B1 is on the minus strand). VCF-style: chr18-57684107-T-C. GRCh37 (hg19) VCF-style: chr18-55351339-T-C.
Other names: c.1409A>G, p.Lys470Arg (NM_001374386.1); c.1559A>G, p.Lys520Arg (NM_005603.6); short protein forms K470R, K520R.
Identifiers: ClinVar variation 5002001 (VCV005002001.1).

ClinVar aggregate classification (germline): Uncertain significance (1 of 4 stars; one submission).

Conditions:
ATP8B1-related disorder. Also called: ATP8B1-related disorders; ATP8B1-related condition.

gnomAD v4.1: 1 of 1,614,168 alleles (0.000062%); highest among the groups gnomAD compares: Non-Finnish European, 0.000085%; no homozygotes.

Submission:

PreventionGenetics, part of Exact Sciences
Classification: Uncertain significance for ATP8B1-related condition. Last evaluated: 2024-10-21. Review status: criteria provided, single submitter. Criteria: ACMG Guidelines, 2015. Collection method: clinical testing. Allele origin: germline.
Comment: The ATP8B1 c.1559A>G variant is predicted to result in the amino acid substitution p.Lys520Arg. To our knowledge, this variant has not been reported in the literature or in a large population database (gnomAD), indicating this variant is rare. At this time, the clinical significance of this variant is uncertain due to the absence of conclusive functional and genetic evidence.